The following is an entry in ClinVar:

ClinVar aggregate classification (germline): Benign/Likely benign. Review status: criteria provided, multiple submitters, no conflicts (2 of 4 stars). 5 submissions from 5 submitters: Benign (1); Likely benign (4). Last evaluated 2025-12-08.

Conditions:
Classic or attenuated familial adenomatous polyposis. Identifiers: MedGen CN372698, MONDO:0021057.
Hereditary cancer-predisposing syndrome. Also called: Hereditary Cancer Syndrome; Hereditary neoplastic syndrome; Neoplastic Syndromes, Hereditary; Tumor predisposition. Identifiers: Orphanet 140162, MedGen C0027672, MeSH D009386, MONDO:0015356.
Familial adenomatous polyposis 1 (FAP1). Also called: FAMILIAL ADENOMATOUS POLYPOSIS 1, ATTENUATED; POLYPOSIS, ADENOMATOUS INTESTINAL. Identifiers: MedGen C2713442, MONDO:0021056, OMIM 175100. Disease mechanism: loss of function.

Allele frequency attached by ClinVar (database versions not stated): gnomAD exomes 0.00001; ExAC 0.00002.
gnomAD v4.1: 3 of 1,613,990 alleles (0.00019%); highest among the groups gnomAD compares: Non-Finnish European, 0.00025%; no homozygotes.

Submissions (5):

Labcorp Genetics (formerly Invitae), Labcorp
Classification: Likely benign for Familial adenomatous polyposis 1. Last evaluated: 2025-12-08. Review status: criteria provided, single submitter. Criteria: Invitae Variant Classification Sherloc (09022015). Collection method: clinical testing. Allele origin: germline.

Department of Pathology and Laboratory Medicine, Sinai Health System
Classification: Likely benign for classic or attenuated familial adenomatous polyposis. Last evaluated: 2024-12-10. Review status: criteria provided, single submitter. Criteria: ACMG Guidelines, 2015. Collection method: clinical testing. Allele origin: germline.

Myriad Genetics, Inc.
Classification: Benign for Familial adenomatous polyposis 1. Last evaluated: 2024-03-18. Review status: criteria provided, single submitter. Criteria: Myriad Autosomal Dominant, Autosomal Recessive and X-Linked Classification Criteria (2023). Collection method: clinical testing. Allele origin: unknown.
Comment: This variant is considered benign. This variant is a silent/synonymous amino acid change and it is not expected to impact splicing.

Color Diagnostics, LLC DBA Color Health
Classification: Likely benign for Hereditary cancer-predisposing syndrome. Last evaluated: 2021-05-17. Review status: criteria provided, single submitter. Criteria: ACMG Guidelines, 2015. Collection method: clinical testing. Allele origin: germline.

Ambry Genetics
Classification: Likely benign for Hereditary cancer-predisposing syndrome. Last evaluated: 2019-05-01. Review status: criteria provided, single submitter. Criteria: Ambry Variant Classification Scheme 2023. Collection method: clinical testing. Allele origin: germline.

NM_000038.6(APC):c.3340C>A (p.Arg1114=)

Gene: APC (APC regulator of Wnt signaling pathway; plus strand). Cytogenetic location: 5q22.2.
Variant type: single nucleotide variant.
Coding change: c.3340C>A on transcript NM_000038.6 (MANE Select); coding-DNA position 3340, C replaced by A.
Protein change: p.Arg1114=; no amino-acid change (arginine 1114 retained).
Molecular consequence: synonymous variant.
Genome position (GRCh38, 1-based): chr5:112,838,934, C>A. VCF-style: chr5-112838934-C-A. GRCh37 (hg19) VCF-style: chr5-112174631-C-A.
Other names: c.3340C>A, p.Arg1114= (NM_001127510.3, NM_001354895.2); c.3286C>A, p.Arg1096= (NM_001127511.3); c.3394C>A, p.Arg1132= (NM_001354896.2); c.3370C>A, p.Arg1124= (NM_001354897.2); c.3265C>A, p.Arg1089= (NM_001354898.2); c.3256C>A, p.Arg1086= (NM_001354899.2); c.3217C>A, p.Arg1073= (NM_001354900.2); c.3163C>A, p.Arg1055= (NM_001354901.2); and 5 more.
Identifiers: ClinVar variation 755220 (VCV000755220.19), dbSNP rs121913331, ClinGen allele CA035080.